The following is an entry in ClinVar:

ClinVar aggregate classification (germline): Pathogenic. Review status: criteria provided, multiple submitters, no conflicts (2 of 4 stars). 2 submissions from 2 submitters: Pathogenic (2). Last evaluated 2024-01-12.

Conditions:
Familial cancer of breast. Also called: Hereditary breast cancer; hereditary breast carcinoma; BREAST CANCER, FAMILIAL. Identifiers: Orphanet 227535, MedGen C0346153, MONDO:0016419, OMIM 114480. Disease mechanism: loss of function.
Ataxia-telangiectasia syndrome (AT). Also called: Cerebello-oculocutaneous telangiectasia; Immunodeficiency with ataxia telangiectasia; Ataxia-telangiectasia, complementation group D; AT, COMPLEMENTATION GROUP C; Ataxia-telangiectasia, complementation group E; LOUIS-BAR SYNDROME. Identifiers: Orphanet 100, MedGen C0004135, MONDO:0008840, OMIM 208900.

Submissions (2):

Myriad Genetics, Inc.
Classification: Pathogenic for Familial cancer of breast. Last evaluated: 2024-01-12. Review status: criteria provided, single submitter. Criteria: Myriad Autosomal Dominant, Autosomal Recessive and X-Linked Classification Criteria (2023). Collection method: clinical testing. Allele origin: unknown.
Comment: This variant is considered pathogenic. This variant creates a termination codon and is predicted to result in premature protein truncation.

Labcorp Genetics (formerly Invitae), Labcorp
Classification: Pathogenic for Ataxia-telangiectasia syndrome. Last evaluated: 2017-04-10. Review status: criteria provided, single submitter. Criteria: Invitae Variant Classification Sherloc (09022015). Collection method: clinical testing. Allele origin: germline.
Comment: This sequence change creates a premature translational stop signal at codon 380 (p.Tyr380*) of the ATM gene. It is expected to result in an absent or disrupted protein product. While this particular variant has not been reported in the literature, loss-of-function variants in ATM are known to be pathogenic (PMID: 25614872, 23807571). For these reasons, this variant has been classified as Pathogenic.

Literature cited by the submitters: PubMed 25614872 (cited by Labcorp Genetics (formerly Invitae), Labcorp); PubMed 23807571 (cited by Labcorp Genetics (formerly Invitae), Labcorp).

NM_000051.4(ATM):c.1140_1141del (p.Tyr380_Ser381delinsTer)

Gene: ATM (ATM serine/threonine kinase; plus strand). Cytogenetic location: 11q22.3.
Variant type: Deletion.
Coding change: c.1140_1141del on transcript NM_000051.4 (MANE Select); coding-DNA positions 1140 to 1141, 2 bases deleted (CA; older notation c.1140_1141delCA).
Protein change: p.Tyr380_Ser381delinsTer.
Molecular consequence: nonsense.
Genome position (GRCh38, 1-based): chr11:108,249,007-108,249,008, CA deleted; deleting any 2 consecutive bases within chr11:108,249,006-108,249,008 gives the same sequence; the c. name uses the placement nearest the transcript's 3' end. VCF-style (leftmost placement, unchanged base first): chr11-108249005-TAC-T. GRCh37 (hg19) VCF-style: chr11-108119732-TAC-T.
Other names: c.1140_1141delCA (NM_000051.3); c.1140_1141del, p.Tyr380_Ser381delinsTer (NM_001351834.2).
Identifiers: ClinVar variation 453355 (VCV000453355.8), dbSNP rs1555069677, ClinGen allele CA658656212.